The following is an entry in ClinVar:

ClinVar aggregate classification (germline): Uncertain significance (1 of 4 stars; one submission).

Conditions:
Aicardi-Goutieres syndrome 6 (AGS6). Identifiers: Orphanet 51, MedGen C3539013, MONDO:0014007, OMIM 615010.
Symmetrical dyschromatosis of extremities (DSH). Also called: DYSCHROMATOSIS SYMMETRICA HEREDITARIA 1; RETICULATE ACROPIGMENTATION OF DOHI; SYMMETRIC DYSCHROMATOSIS OF THE EXTREMITIES; Dyschromatosis symmetrica hereditaria. Identifiers: Orphanet 41, MedGen C0406775, MONDO:0007483, OMIM 127400.

Submission:

Labcorp Genetics (formerly Invitae), Labcorp
Classification: Uncertain significance for Aicardi-Goutieres syndrome 6; Symmetrical dyschromatosis of extremities. Last evaluated: 2021-09-26. Review status: criteria provided, single submitter. Criteria: Invitae Variant Classification Sherloc (09022015). Collection method: clinical testing. Allele origin: germline.
Comment: In summary, the available evidence is currently insufficient to determine the role of this variant in disease. Therefore, it has been classified as a Variant of Uncertain Significance. Algorithms developed to predict the effect of missense changes on protein structure and function (SIFT, PolyPhen-2, Align-GVGD) all suggest that this variant is likely to be disruptive. This variant has not been reported in the literature in individuals affected with ADAR-related conditions. This variant is not present in population databases (ExAC no frequency). This sequence change replaces tryptophan with leucine at codon 1211 of the ADAR protein (p.Trp1211Leu). The tryptophan residue is highly conserved and there is a small physicochemical difference between tryptophan and leucine.

NM_001111.5(ADAR):c.3632G>T (p.Trp1211Leu)

Gene: ADAR (adenosine deaminase RNA specific; minus strand). Cytogenetic location: 1q21.3.
Variant type: single nucleotide variant.
Coding change: c.3632G>T on transcript NM_001111.5 (MANE Select); coding-DNA position 3632, G replaced by T.
Protein change: p.Trp1211Leu; replaces tryptophan 1211 with leucine.
Molecular consequence: missense variant.
Genome position (GRCh38, 1-based): chr1:154,584,855, C>A on the plus strand (G>T on the coding strand, the complement: ADAR is on the minus strand). VCF-style: chr1-154584855-C-A. GRCh37 (hg19) VCF-style: chr1-154557331-C-A.
Other names: c.2747G>T, p.Trp916Leu (NM_001025107.3, NM_001193495.2, NM_001365046.1 and 2 more transcripts); c.3659G>T, p.Trp1220Leu (NM_001365045.1); c.2669G>T, p.Trp890Leu (NM_001365049.1); c.3554G>T, p.Trp1185Leu (NM_015840.4); c.3497G>T, p.Trp1166Leu (NM_015841.4); short protein forms W890L, W1166L, W916L, W1185L, W1211L, W1220L.
Identifiers: ClinVar variation 1518672 (VCV001518672.6), dbSNP rs2101556867, ClinGen allele CA342634523.